The following is an entry in ClinVar:

ClinVar aggregate classification (germline): Uncertain significance (1 of 4 stars; one submission).

Conditions:
Alstrom syndrome (ALMS). Identifiers: Orphanet 64, MedGen C0268425, MONDO:0008763, OMIM 203800.

Allele frequency attached by ClinVar (database versions not stated): TOPMed below 0.00001.

Submission:

Labcorp Genetics (formerly Invitae), Labcorp
Classification: Uncertain significance for Alstrom syndrome. Last evaluated: 2022-05-18. Review status: criteria provided, single submitter. Criteria: Invitae Variant Classification Sherloc (09022015). Collection method: clinical testing. Allele origin: germline.
Comment: This variant is not present in population databases (gnomAD no frequency). This variant has not been reported in the literature in individuals affected with ALMS1-related conditions. Algorithms developed to predict the effect of sequence changes on RNA splicing suggest that this variant may create or strengthen a splice site. In summary, the available evidence is currently insufficient to determine the role of this variant in disease. Therefore, it has been classified as a Variant of Uncertain Significance. This sequence change falls in intron 5 of the ALMS1 gene. It does not directly change the encoded amino acid sequence of the ALMS1 protein.

NM_001378454.1(ALMS1):c.1238-12C>T

Gene: ALMS1 (ALMS1 centrosome and basal body associated protein; plus strand). Cytogenetic location: 2p13.1.
Variant type: single nucleotide variant.
Coding change: c.1238-12C>T on transcript NM_001378454.1 (MANE Select); 12 bases into the intron before coding-DNA position 1238, C replaced by T.
Molecular consequence: intron variant.
Genome position (GRCh38, 1-based): chr2:73,426,441, C>T. VCF-style: chr2-73426441-C-T. GRCh37 (hg19) VCF-style: chr2-73653569-C-T.
Other names: c.1238-12C>T (NM_015120.4).
Identifiers: ClinVar variation 2190235 (VCV002190235.4), dbSNP rs1671380272, ClinGen allele CA1260947964.